The following is an entry in ClinVar:

NM_001079855.2(GYG2):c.1039-279_1039-257del

Gene: GYG2 (glycogenin 2; plus strand). Cytogenetic location: Xp22.33.
Variant type: Microsatellite.
Coding change: c.1039-279_1039-257del on transcript NM_001079855.2 (MANE Select); 279 bases into the intron before coding-DNA position 1039 through 257 bases into the intron before coding-DNA position 1039, 23 bases deleted (CATCACCTCCTCACATTCACTCA).
Molecular consequence: intron variant.
Genome position (GRCh38, 1-based): chrX:2,875,531-2,875,553, CATCACCTCCTCACATTCACTCA deleted; deleting any 23 consecutive bases within chrX:2,875,503-2,875,553 gives the same sequence; the c. name uses the placement nearest the transcript's 3' end. VCF-style (leftmost placement, unchanged base first): chrX-2875502-GACTCACATCACCTCCTCACATTC-G. GRCh37 (hg19) VCF-style: chrX-2793543-GACTCACATCACCTCCTCACATTC-G.
Other names: c.1132-307_1132-285del23 (NM_003918.2); c.1132-279_1132-257del (NM_003918.3); c.1132-5521_1132-5499del (NM_001184703.2); c.1039-279_1039-257del (NM_001184702.2); c.574-5521_574-5499del (NM_001184704.2).
Identifiers: ClinVar variation 672601 (VCV000672601.1), dbSNP rs374741348, ClinGen allele CA325974208.

ClinVar aggregate classification (germline): Benign (1 of 4 stars; one submission).

Submission:

GeneDx
Classification: Benign. Last evaluated: 2018-06-14. Review status: criteria provided, single submitter. Criteria: GeneDx Variant Classification (06012015). Collection method: clinical testing. Allele origin: germline. Affected: yes.
Comment: This variant is considered likely benign or benign based on one or more of the following criteria: it is a conservative change, it occurs at a poorly conserved position in the protein, it is predicted to be benign by multiple in silico algorithms, and/or has population frequency not consistent with disease.